The following is an entry in ClinVar:

ClinVar aggregate classification (germline): Likely benign. Review status: criteria provided, multiple submitters, no conflicts (2 of 4 stars). 3 submissions from 3 submitters: Likely benign (3). Last evaluated 2023-10-08.

Conditions:
Microcephaly, normal intelligence and immunodeficiency (NBS). Also called: BERLIN BREAKAGE SYNDROME; Immunodeficiency, microcephaly with normal intelligence; Nijmegen breakage syndrome; Microcephaly with normal intelligence immunodeficiency and lymphoreticular malignancies; Nonsyndromal microcephaly autosomal recessive with normal intelligence; Seemanova syndrome 2. Identifiers: Orphanet 647, MedGen C0398791, MONDO:0009623, OMIM 251260.

Allele frequency attached by ClinVar (database versions not stated): gnomAD exomes below 0.00001; TOPMed 0.00002.
gnomAD v4.1: 2 of 1,596,164 alleles (0.00013%); highest among the groups gnomAD compares: Non-Finnish European, 0.00017%; no homozygotes.

Submissions (3):

Labcorp Genetics (formerly Invitae), Labcorp
Classification: Likely benign for Microcephaly, normal intelligence and immunodeficiency. Last evaluated: 2023-10-08. Review status: criteria provided, single submitter. Criteria: Invitae Variant Classification Sherloc (09022015). Collection method: clinical testing. Allele origin: germline.

Mendelics
Classification: Likely benign for Microcephaly, normal intelligence and immunodeficiency. Last evaluated: 2019-05-28. Review status: criteria provided, single submitter. Criteria: Mendelics Assertion Criteria 2017. Collection method: clinical testing. Allele origin: unknown.

GeneDx
Classification: Likely benign. Last evaluated: 2016-11-03. Review status: criteria provided, single submitter. Criteria: GeneDx Variant Classification (06012015). Collection method: clinical testing. Allele origin: germline. Affected: yes.
Comment: This variant is considered likely benign or benign based on one or more of the following criteria: it is a conservative change, it occurs at a poorly conserved position in the protein, it is predicted to be benign by multiple in silico algorithms, and/or has population frequency not consistent with disease.

NM_002485.5(NBN):c.584+7T>A

Gene: NBN (nibrin; minus strand). Cytogenetic location: 8q21.3.
Variant type: single nucleotide variant.
Coding change: c.584+7T>A on transcript NM_002485.5 (MANE Select); 7 bases into the intron after coding-DNA position 584, T replaced by A.
Molecular consequence: intron variant.
Genome position (GRCh38, 1-based): chr8:89,978,213, A>T on the plus strand (T>A on the coding strand, the complement: NBN is on the minus strand). VCF-style: chr8-89978213-A-T. GRCh37 (hg19) VCF-style: chr8-90990441-A-T.
Other names: c.338+7T>A (NM_001024688.3).
Identifiers: ClinVar variation 390712 (VCV000390712.14), dbSNP rs1057523869, ClinGen allele CA16605428.